The following is an entry in ClinVar:

ClinVar aggregate classification (germline): Likely benign (1 of 4 stars; one submission).

Conditions:
ABCB4-related disorder. Also called: ABCB4-related disorders; ABCB4-related condition.

Submission:

PreventionGenetics, part of Exact Sciences
Classification: Likely benign for ABCB4-related condition. Last evaluated: 2024-11-21. Review status: criteria provided, single submitter. Criteria: ACMG Guidelines, 2015. Collection method: clinical testing. Allele origin: germline.
Comment: This variant is classified as likely benign based on ACMG/AMP sequence variant interpretation guidelines (Richards et al. 2015 PMID: 25741868, with internal and published modifications).

NM_000443.4(ABCB4):c.1035C>T (p.Phe345=)

Gene: ABCB4 (ATP binding cassette subfamily B member 4; minus strand). Cytogenetic location: 7q21.12.
Variant type: single nucleotide variant.
Coding change: c.1035C>T on transcript NM_000443.4 (MANE Select); coding-DNA position 1035, C replaced by T.
Protein change: p.Phe345=; no amino-acid change (phenylalanine 345 retained).
Molecular consequence: synonymous variant.
Genome position (GRCh38, 1-based): chr7:87,444,946, G>A on the plus strand (C>T on the coding strand, the complement: ABCB4 is on the minus strand). VCF-style: chr7-87444946-G-A. GRCh37 (hg19) VCF-style: chr7-87074262-G-A.
Other names: c.1035C>T, p.Phe345= (NM_018849.3, NM_018850.3).
Identifiers: ClinVar variation 4999430 (VCV004999430.1).
Genomic context (GRCh38, chr7:87,444,946, plus strand): 5'-ATATGCTGCTCCTCTTGCATTGGCAAAAGCATCAATACATGGGGCAGCCTGGCCAACACT[G>A]AAAGCTCCAATTAGGATTGAAAAAAAAACCTGAGCAAAATAACATGAGGAAAAGTTTAAG-3'
Protein context (NP_000434.1, residues 335-355): TVFFSILIGA[Phe345=]SVGQAAPCID